The following is an entry in ClinVar:

ClinVar aggregate classification (germline): Uncertain significance (1 of 4 stars; one submission).

Conditions:
Inborn genetic diseases. Identifiers: MedGen C0950123, MeSH D030342.

Submission:

Ambry Genetics
Classification: Uncertain significance for Inborn genetic diseases. Last evaluated: 2026-03-28. Review status: criteria provided, single submitter. Criteria: Ambry Variant Classification Scheme 2023. Collection method: clinical testing. Allele origin: germline.
Comment: The p.V63A variant (also known as c.188T>C), located in coding exon 1 of the SMAD6 gene, results from a T to C substitution at nucleotide position 188. The valine at codon 63 is replaced by alanine, an amino acid with similar properties. This amino acid position is conserved. In addition, this alteration is predicted to be tolerated by in silico analysis. Based on the available evidence, the clinical significance of this variant remains unclear.

NM_005585.5(SMAD6):c.188T>C (p.Val63Ala)

Gene: SMAD6 (SMAD family member 6; plus strand). Cytogenetic location: 15q22.31.
Variant type: single nucleotide variant.
Coding change: c.188T>C on transcript NM_005585.5 (MANE Select); coding-DNA position 188, T replaced by C.
Protein change: p.Val63Ala; replaces valine 63 with alanine.
Molecular consequence: missense variant. On other transcripts: non-coding transcript variant (1).
Genome position (GRCh38, 1-based): chr15:66,703,446, T>C. VCF-style: chr15-66703446-T-C. GRCh37 (hg19) VCF-style: chr15-66995784-T-C.
Other names: short protein forms V63A.
Identifiers: ClinVar variation 4864713 (VCV004864713.1).